The following is an entry in ClinVar:

ClinVar aggregate classification (germline): Uncertain significance. Review status: criteria provided, multiple submitters, no conflicts (2 of 4 stars). 3 submissions from 3 submitters: Uncertain significance (2). 1 of the submissions does not count toward it. Last evaluated 2025-08-31.

Conditions:
MYH6-related disorder. Also called: MYH6-related condition; MYH6-Related Disorders.
Hypertrophic cardiomyopathy 14. Identifiers: MedGen C2750467, MONDO:0013197, OMIM 613251.
Atrial septal defect 3 (ASD3). Identifiers: Orphanet 1478, MedGen C3279790, MONDO:0013567, OMIM 614089.

Allele frequency attached by ClinVar (database versions not stated): gnomAD exomes below 0.00001 and 0.00001; TOPMed 0.00002; gnomAD 0.00003.
gnomAD v4.1: 8 of 1,614,112 alleles (0.0005%); highest among the groups gnomAD compares: African/African-American, 0.0053%; no homozygotes.

Submissions (3):

Labcorp Genetics (formerly Invitae), Labcorp
Classification: Uncertain significance for Hypertrophic cardiomyopathy 14. Last evaluated: 2025-08-31. Review status: criteria provided, single submitter. Criteria: Invitae Variant Classification Sherloc (09022015). Collection method: clinical testing. Allele origin: germline.
Comment: This sequence change replaces arginine, which is basic and polar, with histidine, which is basic and polar, at codon 673 of the MYH6 protein (p.Arg673His). This variant is present in population databases (no rsID available, gnomAD 0.007%). This variant has not been reported in the literature in individuals affected with MYH6-related conditions. ClinVar contains an entry for this variant (Variation ID: 1699186). Invitae Evidence Modeling of protein sequence and biophysical properties (such as structural, functional, and spatial information, amino acid conservation, physicochemical variation, residue mobility, and thermodynamic stability) indicates that this missense variant is expected to disrupt MYH6 protein function with a positive predictive value of 80%. In summary, the available evidence is currently insufficient to determine the role of this variant in disease. Therefore, it has been classified as a Variant of Uncertain Significance.

Victorian Clinical Genetics Services, Murdoch Childrens Research Institute
Classification: Uncertain significance for Atrial septal defect 3. Last evaluated: 2022-03-31. Review status: criteria provided, single submitter. Criteria: ACMG Guidelines, 2015. Collection method: clinical testing. Allele origin: germline. Inheritance: Autosomal dominant inheritance. Affected: yes.
Comment: Based on the classification scheme VCGS_Germline_v1.3.4, this variant is classified as VUS-3B. Following criteria are met: 0105 - The mechanism of disease for this gene is not clearly established, however gain of function is suggested (PMID: 20656787). (I) 0107 - This gene is associated with autosomal dominant disease. (I) 0112 - The condition associated with this gene has incomplete penetrance, however this is only in individuals with atrial septal defect (PMID: 22194935). (I) 0115 - Variants in this gene are known to have variable expressivity, however this is only in individuals with atrial septal defect (PMID: 22194935). (I) 0200 - Variant is predicted to result in a missense amino acid change from arginine to histidine. (I) 0251 - This variant is heterozygous. (I) 0302 - Variant is present in gnomAD (v3) <0.001 for a dominant condition (5 heterozygotes, 0 homozygotes). (SP) 0501 - Missense variant consistently predicted to be damaging by multiple in silico tools or highly conserved with a major amino acid change. (SP) 0600 - Variant is located in the annotated myosin head domain (DECIPHER). (I) 0705 - No comparable missense variants have previous evidence for pathogenicity. (I) 0807 - This variant has no previous evidence of pathogenicity. (I) 0905 - No published segregation evidence has been identified for this variant. (I) 1007 - No published functional evidence has been identified for this variant. (I) Legend: (SP) - Supporting pathogenic, (I) - Information, (SB) - Supporting benign

PreventionGenetics, part of Exact Sciences
Classification: Uncertain significance for MYH6-related condition. Last evaluated: 2023-11-03. Review status: no assertion criteria provided. Collection method: clinical testing. Allele origin: germline. Not counted in ClinVar's aggregate classification.
Comment: The MYH6 c.2018G>A variant is predicted to result in the amino acid substitution p.Arg673His. To our knowledge, this variant has not been reported in the literature. This variant is reported in 0.0062% of alleles in individuals of African descent in gnomAD. At this time, the clinical significance of this variant is uncertain due to the absence of conclusive functional and genetic evidence.

Literature cited by the submitters: PubMed 20656787 (cited by Victorian Clinical Genetics Services, Murdoch Childrens Research Institute); PubMed 22194935 (cited by Victorian Clinical Genetics Services, Murdoch Childrens Research Institute).

NM_002471.4(MYH6):c.2018G>A (p.Arg673His)

Gene: MYH6 (myosin heavy chain 6; minus strand). Cytogenetic location: 14q11.2.
Variant type: single nucleotide variant.
Coding change: c.2018G>A on transcript NM_002471.4 (MANE Select); coding-DNA position 2018, G replaced by A.
Protein change: p.Arg673His; replaces arginine 673 with histidine.
Molecular consequence: missense variant.
Genome position (GRCh38, 1-based): chr14:23,397,202, C>T on the plus strand (G>A on the coding strand, the complement: MYH6 is on the minus strand). VCF-style: chr14-23397202-C-T. GRCh37 (hg19) VCF-style: chr14-23866411-C-T.
Other names: short protein forms R673H.
Identifiers: ClinVar variation 1699186 (VCV001699186.7), dbSNP rs1023327699, ClinGen allele CA257790988.